The following is an entry in ClinVar:

NM_000465.4(BARD1):c.1536G>C (p.Leu512=)

Gene: BARD1 (BRCA1 associated RING domain 1; minus strand). Cytogenetic location: 2q35.
Variant type: single nucleotide variant.
Coding change: c.1536G>C on transcript NM_000465.4 (MANE Select); coding-DNA position 1536, G replaced by C.
Protein change: p.Leu512=; no amino-acid change (leucine 512 retained).
Molecular consequence: synonymous variant. On other transcripts: non-coding transcript variant (3), intron variant (3).
Genome position (GRCh38, 1-based): chr2:214,767,514, C>G on the plus strand (G>C on the coding strand, the complement: BARD1 is on the minus strand). VCF-style: chr2-214767514-C-G. GRCh37 (hg19) VCF-style: chr2-215632238-C-G.
Other names: c.1479G>C, p.Leu493= (NM_001282543.2); c.159-14959G>C (NM_001282548.2); c.216-14959G>C (NM_001282545.2); c.364+24783G>C (NM_001282549.2).
Identifiers: ClinVar variation 1152991 (VCV001152991.11), dbSNP rs2106076362, ClinGen allele CA431129094.
Genomic context (GRCh38, chr2:214,767,514, plus strand): 5'-AAAATAATTTTTACGTTGAACTACTTACACAGCATTTCTGGAGGCTCCATAGGAAAGTAA[C>G]AGCTTGACTATATCCACATGCCCATTCTTGGCTGCATCGTGAAGTGGTGAGTCATTTTGA-3'
Protein context (NP_000456.2, residues 502-522): AKNGHVDIVK[Leu512=]LLSYGASRNA

ClinVar aggregate classification (germline): Benign/Likely benign. Review status: criteria provided, multiple submitters, no conflicts (2 of 4 stars). 2 submissions from 2 submitters: Benign (1); Likely benign (1). Last evaluated 2024-10-03.

Conditions:
Familial cancer of breast. Also called: Hereditary breast cancer; hereditary breast carcinoma; BREAST CANCER, FAMILIAL. Identifiers: Orphanet 227535, MedGen C0346153, MONDO:0016419, OMIM 114480. Disease mechanism: loss of function.

Submissions (2):

Labcorp Genetics (formerly Invitae), Labcorp
Classification: Likely benign for Familial cancer of breast. Last evaluated: 2024-10-03. Review status: criteria provided, single submitter. Criteria: Invitae Variant Classification Sherloc (09022015). Collection method: clinical testing. Allele origin: germline.

Myriad Genetics, Inc.
Classification: Benign for Familial cancer of breast. Last evaluated: 2024-07-25. Review status: criteria provided, single submitter. Criteria: Myriad Autosomal Dominant, Autosomal Recessive and X-Linked Classification Criteria (2023). Collection method: clinical testing. Allele origin: unknown.
Comment: This variant is considered benign. This variant is a silent/synonymous amino acid change and it is not expected to impact splicing.